The following is an entry in ClinVar:

ClinVar aggregate classification (germline): Uncertain significance (1 of 4 stars; one submission).

Submission:

GeneDx
Classification: Uncertain significance. Last evaluated: 2024-08-15. Review status: criteria provided, single submitter. Criteria: GeneDx Variant Classification Process June 2021. Collection method: clinical testing. Allele origin: germline.
Comment: Not observed at significant frequency in large population cohorts (gnomAD); In silico analysis supports that this missense variant has a deleterious effect on protein structure/function; Has not been previously published as pathogenic or benign to our knowledge

NM_001110556.2(FLNA):c.2066T>G (p.Val689Gly)

Gene: FLNA (filamin A; minus strand). Cytogenetic location: Xq28.
Variant type: single nucleotide variant.
Coding change: c.2066T>G on transcript NM_001110556.2 (MANE Select); coding-DNA position 2066, T replaced by G.
Protein change: p.Val689Gly; replaces valine 689 with glycine.
Molecular consequence: missense variant.
Genome position (GRCh38, 1-based): chrX:154,364,329, A>C on the plus strand (T>G on the coding strand, the complement: FLNA is on the minus strand). VCF-style: chrX-154364329-A-C. GRCh37 (hg19) VCF-style: chrX-153592697-A-C.
Other names: c.2066T>G, p.Val689Gly (NM_001456.4); short protein forms V689G.
Identifiers: ClinVar variation 2446247 (VCV002446247.2), dbSNP rs2522753855, ClinGen allele CA415238770.